The following is an entry in ClinVar:

NM_004544.4(NDUFA10):c.73G>T (p.Val25Leu)

Gene: NDUFA10 (NADH:ubiquinone oxidoreductase subunit A10; minus strand). Cytogenetic location: 2q37.3.
Variant type: single nucleotide variant.
Coding change: c.73G>T on transcript NM_004544.4 (MANE Select); coding-DNA position 73, G replaced by T.
Protein change: p.Val25Leu; replaces valine 25 with leucine.
Molecular consequence: missense variant. On other transcripts: non-coding transcript variant (4).
Genome position (GRCh38, 1-based): chr2:240,025,229, C>A on the plus strand (G>T on the coding strand, the complement: NDUFA10 is on the minus strand). VCF-style: chr2-240025229-C-A. GRCh37 (hg19) VCF-style: chr2-240964646-C-A.
Other names: c.73G>T, p.Val25Leu (NM_001322019.2, NM_001322020.2); short protein forms V25L.
Identifiers: ClinVar variation 1415097 (VCV001415097.5), dbSNP rs1022298452, ClinGen allele CA68073017.

ClinVar aggregate classification (germline): Uncertain significance (1 of 4 stars; one submission).

Allele frequency attached by ClinVar (database versions not stated): 1000 Genomes Project 30x 0.00016; gnomAD exomes 0.00008.
gnomAD v4.1: 13 of 1,492,560 alleles (0.00087%); highest among the groups gnomAD compares: Admixed American, 0.027%; no homozygotes.

Submission:

Labcorp Genetics (formerly Invitae), Labcorp
Classification: Uncertain significance. Last evaluated: 2022-04-26. Review status: criteria provided, single submitter. Criteria: Invitae Variant Classification Sherloc (09022015). Collection method: clinical testing. Allele origin: germline.
Comment: This sequence change replaces valine, which is neutral and non-polar, with leucine, which is neutral and non-polar, at codon 25 of the NDUFA10 protein (p.Val25Leu). This variant is present in population databases (no rsID available, gnomAD 0.05%). This variant has not been reported in the literature in individuals affected with NDUFA10-related conditions. Algorithms developed to predict the effect of missense changes on protein structure and function (SIFT, PolyPhen-2, Align-GVGD) all suggest that this variant is likely to be tolerated. In summary, the available evidence is currently insufficient to determine the role of this variant in disease. Therefore, it has been classified as a Variant of Uncertain Significance.